The following is an entry in ClinVar:

NM_018474.6(KIZ):c.14T>G (p.Leu5Arg)

Genes: KIZ (kizuna centrosomal protein; plus strand), LOC130065507 (ATAC-STARR-seq lymphoblastoid silent region 12713; plus strand). Cytogenetic location: 20p11.23.
Variant type: single nucleotide variant.
Coding change: c.14T>G on transcript NM_018474.6 (MANE Select); coding-DNA position 14, T replaced by G.
Protein change: p.Leu5Arg; replaces leucine 5 with arginine.
Molecular consequence: missense variant. On other transcripts: 5 prime UTR variant (4), synonymous variant (1).
Genome position (GRCh38, 1-based): chr20:21,126,129, T>G. VCF-style: chr20-21126129-T-G. GRCh37 (hg19) VCF-style: chr20-21106770-T-G.
Other names: c.-133T>G (NM_001163022.3, NM_001163023.3, NM_001352435.2); c.93T>G, p.Pro31= (NM_001276389.2); c.14T>G, p.Leu5Arg (NM_001352434.2); c.-373T>G (NM_001352436.2); short protein forms L5R.
Identifiers: ClinVar variation 938462 (VCV000938462.8), dbSNP rs373441451, ClinGen allele CA9784576.

ClinVar aggregate classification (germline): Uncertain significance (1 of 4 stars; one submission).

Allele frequency attached by ClinVar (database versions not stated): ExAC below 0.00001; gnomAD exomes 0.00001; TOPMed 0.00001; ESP Exome Variant Server 0.00009.
gnomAD v4.1: 22 of 1,514,922 alleles (0.0015%); highest among the groups gnomAD compares: Non-Finnish European, 0.0018%; no homozygotes.

Submission:

Labcorp Genetics (formerly Invitae), Labcorp
Classification: Uncertain significance. Last evaluated: 2025-12-31. Review status: criteria provided, single submitter. Criteria: Invitae Variant Classification Sherloc (09022015). Collection method: clinical testing. Allele origin: germline.
Comment: This sequence change replaces leucine, which is neutral and non-polar, with arginine, which is basic and polar, at codon 5 of the KIZ protein (p.Leu5Arg). This variant is present in population databases (rs373441451, gnomAD 0.002%). This variant has not been reported in the literature in individuals affected with KIZ-related conditions. ClinVar contains an entry for this variant (Variation ID: 938462). Experimental studies and prediction algorithms are not available or were not evaluated, and the functional significance of this variant is currently unknown. In summary, the available evidence is currently insufficient to determine the role of this variant in disease. Therefore, it has been classified as a Variant of Uncertain Significance.